The following is an entry in ClinVar:

ClinVar aggregate classification (germline): Uncertain significance (1 of 4 stars; one submission).

Allele frequency attached by ClinVar (database versions not stated): TOPMed below 0.00001; gnomAD 0.00001.
gnomAD v4.1: 1 of 1,613,212 alleles (0.000062%); highest among the groups gnomAD compares: African/African-American, 0.0013%; no homozygotes.

Submission:

Labcorp Genetics (formerly Invitae), Labcorp
Classification: Uncertain significance. Last evaluated: 2022-07-13. Review status: criteria provided, single submitter. Criteria: Invitae Variant Classification Sherloc (09022015). Collection method: clinical testing. Allele origin: germline.
Comment: This sequence change replaces tyrosine, which is neutral and polar, with histidine, which is basic and polar, at codon 1089 of the ADGRV1 protein (p.Tyr1089His). This variant is not present in population databases (gnomAD no frequency). This variant has not been reported in the literature in individuals affected with ADGRV1-related conditions. Algorithms developed to predict the effect of missense changes on protein structure and function are either unavailable or do not agree on the potential impact of this missense change (SIFT: "Deleterious"; PolyPhen-2: "Probably Damaging"; Align-GVGD: "Class C0"). In summary, the available evidence is currently insufficient to determine the role of this variant in disease. Therefore, it has been classified as a Variant of Uncertain Significance.

NM_032119.4(ADGRV1):c.3265T>C (p.Tyr1089His)

Gene: ADGRV1 (adhesion G protein-coupled receptor V1; plus strand). Cytogenetic location: 5q14.3.
Variant type: single nucleotide variant.
Coding change: c.3265T>C on transcript NM_032119.4 (MANE Select); coding-DNA position 3265, T replaced by C.
Protein change: p.Tyr1089His; replaces tyrosine 1089 with histidine.
Molecular consequence: missense variant. On other transcripts: non-coding transcript variant (1).
Genome position (GRCh38, 1-based): chr5:90,647,740, T>C. VCF-style: chr5-90647740-T-C. GRCh37 (hg19) VCF-style: chr5-89943557-T-C.
Other names: short protein forms Y1089H.
Identifiers: ClinVar variation 2001862 (VCV002001862.4), dbSNP rs1213050066, ClinGen allele CA360394033.
Genomic context (GRCh38, chr5:90,647,740, plus strand): 5'-CAGCAGAGCATATCCATATTTGTTAATGAAGATGGTATCCCGGAAACAGATGAGCCCTTT[T>C]ATATAATCCTCTTGAATTCAACAGGTAAGTAAATTATGCTTTTTTATGGCAGATCTGCCT-3'
Protein context (NP_115495.3, residues 1079-1099): DGIPETDEPF[Tyr1089His]IILLNSTGDT